The following is an entry in ClinVar:

NM_004415.4(DSP):c.1778A>G (p.Asn593Ser)

Gene: DSP (desmoplakin; plus strand). Cytogenetic location: 6p24.3.
Variant type: single nucleotide variant.
Coding change: c.1778A>G on transcript NM_004415.4 (MANE Select); coding-DNA position 1778, A replaced by G.
Protein change: p.Asn593Ser; replaces asparagine 593 with serine.
Molecular consequence: missense variant.
Genome position (GRCh38, 1-based): chr6:7,571,459, A>G. VCF-style: chr6-7571459-A-G. GRCh37 (hg19) VCF-style: chr6-7571692-A-G.
Other names: p.N593S:AAT>AGT; c.1778A>G, p.Asn593Ser (NM_001008844.3, NM_001319034.2); short protein forms N593S.
Identifiers: ClinVar variation 44867 (VCV000044867.45), dbSNP rs34239595, ClinGen allele CA005151.

ClinVar aggregate classification (germline): Benign/Likely benign. Review status: criteria provided, multiple submitters, no conflicts (2 of 4 stars). 23 submissions from 21 submitters: Benign (2); Likely benign (13). 8 of the submissions do not count toward it. Last evaluated 2026-03-27.

Conditions:
DSP-related disorder. Also called: DSP-related condition; DSP-related disorders.
Cardiovascular phenotype. Identifiers: MedGen CN230736.
Arrhythmogenic cardiomyopathy with wooly hair and keratoderma. Also called: PALMOPLANTAR KERATODERMA WITH LEFT VENTRICULAR CARDIOMYOPATHY AND WOOLLY HAIR; Arrhythmogenic cardiomyopathy with woolly hair and keratoderma; Dilated cardiomyopathy with woolly hair and keratoderma; Carvajal syndrome. Identifiers: Orphanet 65282, MedGen C1854063, MONDO:0011581, OMIM 605676.
Arrhythmogenic right ventricular dysplasia 8 (ARVD8). Also called: Arrhythmogenic Right Ventricular Dysplasia/Cardiomyopathy 8; ARRHYTHMOGENIC RIGHT VENTRICULAR DYSPLASIA, FAMILIAL, 8; ARRHYTHMOGENIC RIGHT VENTRICULAR CARDIOMYOPATHY 8. Identifiers: MedGen C1843896, MONDO:0011831, OMIM 607450.
Arrhythmogenic right ventricular cardiomyopathy (ARVD). Also called: Cardiomyopathy, ARVC; Arrhythmogenic Right Ventricular Cardiomyopathy (ARVC); Arrhythmogenic right ventricular dysplasia; Arrhythmogenic cardiomyopathy. Identifiers: Orphanet 247, MedGen C0349788, MeSH D019571, MONDO:0016587. Disease mechanism: loss of function. Inheritance: Various modes of inheritance.
Cardiomyopathy (CMYO). Also called: Cardiomyopathies. Identifiers: Orphanet 167848, MedGen C0878544, MONDO:0004994, HP:0001638. Inheritance: Various modes of inheritance.
Lethal acantholytic epidermolysis bullosa (EBLA). Identifiers: Orphanet 158687, MedGen C1864826, MONDO:0012323, OMIM 609638.
Woolly hair-skin fragility syndrome (WHSF). Identifiers: Orphanet 293165, MedGen C1843292, MONDO:0957307, OMIM 620415.

Allele frequency attached by ClinVar (database versions not stated): 1000 Genomes Project 0.00020; 1000 Genomes Project 30x 0.00031; TOPMed 0.00046; ExAC 0.00051; gnomAD 0.00055 and 0.00056; gnomAD exomes 0.00055 and 0.00086; ESP Exome Variant Server 0.00085.
gnomAD v4.1: 1,311 of 1,614,238 alleles (0.081%); highest among the groups gnomAD compares: Non-Finnish European, 0.1%; no homozygotes.

Submissions (23):

Molecular Diagnostic Laboratory for Inherited Cardiovascular Disease, Montreal Heart Institute
Classification: Likely benign. Last evaluated: 2026-03-27. Review status: criteria provided, single submitter. Criteria: ACMG Guidelines, 2015. Collection method: clinical testing. Allele origin: germline. Affected: no.
Comment: BS1;BP4

Labcorp Genetics (formerly Invitae), Labcorp
Classification: Likely benign for Arrhythmogenic cardiomyopathy with wooly hair and keratoderma; Arrhythmogenic right ventricular dysplasia 8. Last evaluated: 2026-02-02. Review status: criteria provided, single submitter. Criteria: Invitae Variant Classification Sherloc (09022015). Collection method: clinical testing. Allele origin: germline.

ARUP Laboratories, Molecular Genetics and Genomics, ARUP Laboratories
Classification: Likely benign. Last evaluated: 2025-04-22. Review status: criteria provided, single submitter. Criteria: ARUP Molecular Germline Variant Investigation Process 2024. Collection method: clinical testing. Allele origin: germline.

Blueprint Genetics
Classification: Likely benign. Last evaluated: 2024-11-25. Review status: criteria provided, single submitter. Criteria: ACMG Guidelines, 2015. Collection method: clinical testing. Allele origin: germline.

All of Us Research Program, National Institutes of Health
Classification: Likely benign for Arrhythmogenic cardiomyopathy with wooly hair and keratoderma. Last evaluated: 2024-09-23. Review status: criteria provided, single submitter. Criteria: ACMG Guidelines, 2015. Collection method: clinical testing. Allele origin: germline. Inheritance: Autosomal dominant inheritance. Observed: 239 variant alleles, 239 heterozygotes.
Comment: This study involves interpretation of variants in research participants for the purpose of population health screening. Participant phenotype was not available at the time of variant classification. Additional details can be found in publication PMID: 35346344, PMCID: PMC8962531

GeneDx
Classification: Likely benign. Last evaluated: 2024-05-21. Review status: criteria provided, single submitter. Criteria: GeneDx Variant Classification Process June 2021. Collection method: clinical testing. Allele origin: germline. Affected: yes.
Comment: See Variant Classification Assertion Criteria.

Ambry Genetics
Classification: Likely benign for Cardiovascular phenotype. Last evaluated: 2021-11-17. Review status: criteria provided, single submitter. Criteria: Ambry Variant Classification Scheme 2023. Collection method: clinical testing. Allele origin: germline.

Color Diagnostics, LLC DBA Color Health
Classification: Likely benign for Cardiomyopathy. Last evaluated: 2019-12-01. Review status: criteria provided, single submitter. Criteria: ACMG Guidelines, 2015. Collection method: clinical testing. Allele origin: germline.

Illumina Laboratory Services, Illumina
Classification: Likely benign for Lethal acantholytic epidermolysis bullosa. Last evaluated: 2019-09-30. Review status: criteria provided, single submitter. Criteria: ICSL Variant Classification Criteria 13 December 2019. Collection method: clinical testing. Allele origin: germline.
Comment: This variant was observed as part of a predisposition screen in an ostensibly healthy population. A literature search was performed for the gene, cDNA change, and amino acid change (where applicable). No publications were found based on this search. Allele frequency data from public databases allowed determination this variant is unlikely to cause disease. Therefore, this variant is classified as likely benign.

Illumina Laboratory Services, Illumina
Classification: Likely benign for Arrhythmogenic cardiomyopathy with wooly hair and keratoderma. Last evaluated: 2019-09-30. Review status: criteria provided, single submitter. Criteria: ICSL Variant Classification Criteria 13 December 2019. Collection method: clinical testing. Allele origin: germline.
Comment: the same text as in the submission from Illumina Laboratory Services, Illumina above.

Illumina Laboratory Services, Illumina
Classification: Likely benign for Arrhythmogenic right ventricular dysplasia 8. Last evaluated: 2019-09-30. Review status: criteria provided, single submitter. Criteria: ICSL Variant Classification Criteria 13 December 2019. Collection method: clinical testing. Allele origin: germline.
Comment: This variant was observed as part of a predisposition screen in an ostensibly healthy population. A literature search was performed for the gene, cDNA change, and amino acid change (where applicable). Publications were found based on this search. The evidence from the literature, in combination with allele frequency data from public databases where available, was sufficient to determine this variant is unlikely to cause disease. Therefore, this variant is classified as likely benign.

Women's Health and Genetics/Laboratory Corporation of America, LabCorp
Classification: Benign. Last evaluated: 2019-08-27. Review status: criteria provided, single submitter. Criteria: LabCorp Variant Classification Summary - May 2015. Collection method: clinical testing. Allele origin: germline.
Comment: Variant summary: DSP c.1778A>G (p.Asn593Ser) results in a conservative amino acid change located in the Desmoplakin, spectrin-like domain of the encoded protein sequence. Four of five in-silico tools predict a benign effect of the variant on protein function. The variant allele was found at a frequency of 0.00055 in 251294 control chromosomes, predominantly at a frequency of 0.0011 within the Non-Finnish European subpopulation in the gnomAD database. The observed variant frequency within Non-Finnish European control individuals in the gnomAD database is approximately 44 fold of the estimated maximal expected allele frequency for a pathogenic variant in DSP causing Cardiomyopathy phenotype (2.5e-05), strongly suggesting that the variant is a benign polymorphism found primarily in populations of Non-Finnish European origin. The variant, c.1778A>G, has been reported in the literature in individuals affected with Cardiomyopathy and ARVC and these affected individuals had co-occurrences with other pathogenic variants (DSG2 c.137G>A, p.Arg46Gln (Rasmussen, 22013); TTN c.49511delG, p.Gly16504GlufsX12 (Pugh_2014)), providing supporting evidence for a benign role. To our knowledge, no experimental evidence demonstrating an impact on protein function has been reported. Seven ClinVar submissions (evaluation after 2014) cite the variant four times as uncertain significance and three times as likely benign. Based on the evidence outlined above, the variant was classified as benign.

Institute of Human Genetics, University of Leipzig Medical Center
Classification: Likely benign for Arrhythmogenic right ventricular dysplasia 8. Last evaluated: 2019-01-01. Review status: criteria provided, single submitter. Criteria: ACMG Guidelines, 2015. Collection method: clinical testing. Allele origin: unknown. Affected: yes.

Laboratory for Molecular Medicine, Mass General Brigham Personalized Medicine
Classification: Benign. Last evaluated: 2018-03-12. Review status: criteria provided, single submitter. Criteria: LMM Criteria. Collection method: clinical testing. Allele origin: germline. Observed: 7 variant alleles.
Comment: The p.Asn593Ser variant in exon 14 of DSP: This variant is not expected to have clinical significance because it has been identified in 0.1% (132/126514) of Eur opean chromosomes by the Genome Aggregation Database (gnomAD; dbSNP rs34239595). In addition, it has been identified in severa l individuals who carried disease-causing variants in other genes (Rasmussen et al. 2013, LMM data) and computational prediction tools and conservation analysis suggest that this variant is unlikely to impact the protein. ACMG/AMP Criteria Applied: BA1; BP4; BP5.

Biesecker Lab/Clinical Genomics Section, National Institutes of Health
Classification: Likely benign. Last evaluated: 2013-06-24. Review status: criteria provided, single submitter. Criteria: Ng et al. (Circ Cardiovasc Genet. 2013). Collection method: research. Allele origin: unknown. Observed: 2 variant alleles. Study: ClinSeq.
Comment: The study set was not selected for affection status in relation to any cancer. Pathogenicity categories were based on literature curation. See Pubmed ID:23861362 for details.

Medical sequencing

PreventionGenetics, part of Exact Sciences
Classification: Likely benign for DSP-related condition. Last evaluated: 2024-03-12. Review status: no assertion criteria provided. Collection method: clinical testing. Allele origin: germline. Not counted in ClinVar's aggregate classification.
Comment: This variant is classified as likely benign based on ACMG/AMP sequence variant interpretation guidelines (Richards et al. 2015 PMID: 25741868, with internal and published modifications).

CSER _CC_NCGL, University of Washington
Classification: Likely benign for Arrhythmogenic right ventricular dysplasia. Last evaluated: 2016-08-01. Review status: no assertion criteria provided. Collection method: research. Allele origin: germline. Inheritance: Autosomal dominant inheritance. Study: CSER - NEXT Medicine variant annotation. Not counted in ClinVar's aggregate classification.

Clinical Genetics DNA and cytogenetics Diagnostics Lab, Erasmus MC, Erasmus Medical Center
Classification: Likely benign. Review status: no assertion criteria provided. Collection method: clinical testing. Allele origin: germline. Affected: yes. Study: VKGL Data-share Consensus. Not counted in ClinVar's aggregate classification.

Clinical Genetics, Academic Medical Center
Classification: Benign. Review status: no assertion criteria provided. Collection method: clinical testing. Allele origin: germline. Affected: yes. Study: VKGL Data-share Consensus. Not counted in ClinVar's aggregate classification.

Diagnostic Laboratory, Department of Genetics, University Medical Center Groningen
Classification: Likely benign. Review status: no assertion criteria provided. Collection method: clinical testing. Allele origin: germline. Affected: yes. Study: VKGL Data-share Consensus. Not counted in ClinVar's aggregate classification.

Genome Diagnostics Laboratory, University Medical Center Utrecht
Classification: Likely benign. Review status: no assertion criteria provided. Collection method: clinical testing. Allele origin: germline. Affected: yes. Study: VKGL Data-share Consensus. Not counted in ClinVar's aggregate classification.

Joint Genome Diagnostic Labs from Nijmegen and Maastricht, Radboudumc and MUMC+
Classification: Likely benign. Review status: no assertion criteria provided. Collection method: clinical testing. Allele origin: germline. Affected: yes. Study: VKGL Data-share Consensus. Not counted in ClinVar's aggregate classification.

Laboratory of Diagnostic Genome Analysis, Leiden University Medical Center (LUMC)
Classification: Likely benign. Review status: no assertion criteria provided. Collection method: clinical testing. Allele origin: germline. Affected: yes. Study: VKGL Data-share Consensus. Not counted in ClinVar's aggregate classification.

Literature cited by the submitters: PubMed 23381804 (cited by 3 submitters); PubMed 24503780 (cited by 3 submitters); PubMed 23861362 (cited by Illumina Laboratory Services, Illumina).